The following is an entry in ClinVar:

NM_032447.5(FBN3):c.7562_7563delinsAT (p.Ser2521Asn)

Gene: FBN3 (fibrillin 3; minus strand). Cytogenetic location: 19p13.2.
Variant type: Indel.
Coding change: c.7562_7563delinsAT on transcript NM_032447.5 (MANE Select); coding-DNA positions 7562 to 7563, GC replaced by AT.
Protein change: p.Ser2521Asn; replaces serine 2521 with asparagine.
Molecular consequence: missense variant.
Genome position (GRCh38, 1-based): chr19:8,075,302-8,075,303, GC replaced by AT on the plus strand (GC replaced by AT on the coding strand, the reverse complement: FBN3 is on the minus strand). VCF-style: chr19-8075302-GC-AT. GRCh37 (hg19) VCF-style: chr19-8140186-GC-AT.
Other names: c.7562_7563delinsAT, p.Ser2521Asn (NM_001321431.2); short protein forms S2521N.
Identifiers: ClinVar variation 2179983 (VCV002179983.4), dbSNP rs2512543465, ClinGen allele CA2580097122.

ClinVar aggregate classification (germline): Uncertain significance (1 of 4 stars; one submission).

Submission:

Labcorp Genetics (formerly Invitae), Labcorp
Classification: Uncertain significance. Last evaluated: 2025-08-03. Review status: criteria provided, single submitter. Criteria: Invitae Variant Classification Sherloc (09022015). Collection method: clinical testing. Allele origin: germline.
Comment: This sequence change replaces serine, which is neutral and polar, with asparagine, which is neutral and polar, at codon 2521 of the FBN3 protein (p.Ser2521Asn). This variant is present in population databases (no rsID available, gnomAD 0.02%). This variant has not been reported in the literature in individuals affected with FBN3-related conditions. ClinVar contains an entry for this variant (Variation ID: 2179983). An algorithm developed to predict the effect of missense changes on protein structure and function (PolyPhen-2) suggests that this variant is likely to be tolerated. In summary, the available evidence is currently insufficient to determine the role of this variant in disease. Therefore, it has been classified as a Variant of Uncertain Significance.